The following is an entry in ClinVar:

NM_000268.4(NF2):c.482G>A (p.Gly161Glu)

Gene: NF2 (NF2, moesin-ezrin-radixin like (MERLIN) tumor suppressor; plus strand). Cytogenetic location: 22q12.2.
Variant type: single nucleotide variant.
Coding change: c.482G>A on transcript NM_000268.4 (MANE Select); coding-DNA position 482, G replaced by A.
Protein change: p.Gly161Glu; replaces glycine 161 with glutamic acid.
Molecular consequence: missense variant. On other transcripts: non-coding transcript variant (1), intron variant (1).
Genome position (GRCh38, 1-based): chr22:29,654,691, G>A. VCF-style: chr22-29654691-G-A. GRCh37 (hg19) VCF-style: chr22-30050680-G-A.
Other names: c.482G>A, p.Gly161Glu (NM_016418.5, NM_181825.3, NM_181832.3); c.356G>A, p.Gly119Glu (NM_181828.3); c.359G>A, p.Gly120Glu (NM_181829.3); c.233G>A, p.Gly78Glu (NM_181830.3, NM_181831.3); c.447+12406G>A (NM_181833.3); short protein forms G119E, G120E, G161E, G78E.
Identifiers: ClinVar variation 1314081 (VCV001314081.2), dbSNP rs2146966915, ClinGen allele CA411142182.
Genomic context (GRCh38, chr22:29,654,691, plus strand): 5'-GCCTGCTCTCCCTTTCTTCTTTCCAGTATGGTGACTACGACCCCAGTGTTCACAAGCGGG[G>A]ATTTTTGGCCCAAGAGGAATTGCTTCCAAAAAGGGTAAGAGATTAAATTCCCTTTTCAGG-3'
Protein context (NP_000259.1, residues 151-171): GDYDPSVHKR[Gly161Glu]FLAQEELLPK

ClinVar aggregate classification (germline): Uncertain significance (1 of 4 stars; one submission).

Submission:

GeneDx
Classification: Uncertain significance. Last evaluated: 2021-01-21. Review status: criteria provided, single submitter. Criteria: GeneDx Variant Classification Process June 2021. Collection method: clinical testing. Allele origin: germline. Affected: yes.
Comment: Not observed at a significant frequency in large population cohorts (Lek 2016); In silico analysis supports that this missense variant has a deleterious effect on protein structure/function; Has not been previously published as pathogenic or benign to our knowledge